The following is an entry in ClinVar:

NM_004655.4(AXIN2):c.1445C>A (p.Pro482Gln)

Gene: AXIN2 (axin 2; minus strand). Cytogenetic location: 17q24.1.
Variant type: single nucleotide variant.
Coding change: c.1445C>A on transcript NM_004655.4 (MANE Select); coding-DNA position 1445, C replaced by A.
Protein change: p.Pro482Gln; replaces proline 482 with glutamine.
Molecular consequence: missense variant.
Genome position (GRCh38, 1-based): chr17:65,537,591, G>T on the plus strand (C>A on the coding strand, the complement: AXIN2 is on the minus strand). VCF-style: chr17-65537591-G-T. GRCh37 (hg19) VCF-style: chr17-63533709-G-T.
Other names: c.1445C>A, p.Pro482Gln (NM_001363813.1); short protein forms P482Q.
Identifiers: ClinVar variation 1057011 (VCV001057011.10), dbSNP rs758495825, ClinGen allele CA400677483.

ClinVar aggregate classification (germline): Uncertain significance (1 of 4 stars; one submission).

Conditions:
Oligodontia-cancer predisposition syndrome. Also called: TOOTH AGENESIS-COLORECTAL CANCER SYNDROME. Identifiers: Orphanet 300576, MedGen C1837750, MONDO:0012075, OMIM 608615. Disease mechanism: loss of function.

Submissions (2):

Labcorp Genetics (formerly Invitae), Labcorp
Classification: Uncertain significance for Oligodontia-cancer predisposition syndrome. Last evaluated: 2020-07-20. Review status: criteria provided, single submitter. Criteria: Invitae Variant Classification Sherloc (09022015). Collection method: clinical testing. Allele origin: germline.
Comment: In summary, the available evidence is currently insufficient to determine the role of this variant in disease. Therefore, it has been classified as a Variant of Uncertain Significance. Algorithms developed to predict the effect of sequence changes on RNA splicing suggest that this variant may create or strengthen a splice site, but this prediction has not been confirmed by published transcriptional studies. Algorithms developed to predict the effect of missense changes on protein structure and function output the following: SIFT: "Tolerated"; PolyPhen-2: "Benign"; Align-GVGD: "Class C0". The glutamine amino acid residue is found in multiple mammalian species, suggesting that this missense change does not adversely affect protein function. These predictions have not been confirmed by published functional studies and their clinical significance is uncertain. This variant has not been reported in the literature in individuals with AXIN2-related conditions. This variant is not present in population databases (ExAC no frequency). This sequence change replaces proline with glutamine at codon 482 of the AXIN2 protein (p.Pro482Gln). The proline residue is moderately conserved and there is a moderate physicochemical difference between proline and glutamine.

Dr. Peter K. Rogan Lab, Western University
No classification provided (evidence only). Condition: Thyroid cancer, nonmedullary, 1. Review status: no classification provided. Collection method: in vitro. Allele origin: not applicable. Functional consequence: retained intron. Not counted in ClinVar's aggregate classification.